The following is an entry in ClinVar:

NM_147127.5(EVC2):c.740C>T (p.Thr247Met)

Gene: EVC2 (EvC ciliary complex subunit 2; minus strand). Cytogenetic location: 4p16.2.
Variant type: single nucleotide variant.
Coding change: c.740C>T on transcript NM_147127.5 (MANE Select); coding-DNA position 740, C replaced by T.
Protein change: p.Thr247Met; replaces threonine 247 with methionine.
Molecular consequence: missense variant.
Genome position (GRCh38, 1-based): chr4:5,685,446, G>A on the plus strand (C>T on the coding strand, the complement: EVC2 is on the minus strand). VCF-style: chr4-5685446-G-A. GRCh37 (hg19) VCF-style: chr4-5687173-G-A.
Other names: c.500C>T, p.Thr167Met (NM_001166136.2); c.740C>T (NM_147127.4); short protein forms T167M, T247M.
Identifiers: ClinVar variation 2051357 (VCV002051357.3), dbSNP rs200717964, ClinGen allele CA2835320.

ClinVar aggregate classification (germline): Uncertain significance. Review status: criteria provided, multiple submitters, no conflicts (2 of 4 stars). 2 submissions from 2 submitters: Uncertain significance (2). Last evaluated 2025-02-22.

Conditions:
Inborn genetic diseases. Identifiers: MedGen C0950123, MeSH D030342.
Ellis-van Creveld syndrome (EVC). Also called: Chondroectodermal dysplasia; MESOECTODERMAL DYSPLASIA; EVC-Related Ellis-van Creveld Syndrome; EVC2-Related Ellis-van Creveld Syndrome. Identifiers: Orphanet 289, MedGen C0013903, MONDO:0009162, OMIM 225500.
Curry-Hall syndrome (WAD). Also called: WEYERS ACRODENTAL DYSOSTOSIS. Identifiers: Orphanet 952, MedGen C0457013, MONDO:0008673, OMIM 193530.

Allele frequency attached by ClinVar (database versions not stated): ExAC 0.00005; gnomAD 0.00007; TOPMed 0.00007; ESP Exome Variant Server 0.00008; gnomAD exomes 0.00010.
gnomAD v4.1: 155 of 1,614,082 alleles (0.0096%); highest among the groups gnomAD compares: Admixed American, 0.015%; no homozygotes.

Submissions (2):

Ambry Genetics
Classification: Uncertain significance for Inborn genetic diseases. Last evaluated: 2025-02-22. Review status: criteria provided, single submitter. Criteria: Ambry Variant Classification Scheme 2023. Collection method: clinical testing. Allele origin: germline.

Labcorp Genetics (formerly Invitae), Labcorp
Classification: Uncertain significance for Curry-Hall syndrome; Ellis-van Creveld syndrome. Last evaluated: 2025-01-19. Review status: criteria provided, single submitter. Criteria: Invitae Variant Classification Sherloc (09022015). Collection method: clinical testing. Allele origin: germline.
Comment: This sequence change replaces threonine, which is neutral and polar, with methionine, which is neutral and non-polar, at codon 247 of the EVC2 protein (p.Thr247Met). This variant is present in population databases (rs200717964, gnomAD 0.02%). This variant has not been reported in the literature in individuals affected with EVC2-related conditions. ClinVar contains an entry for this variant (Variation ID: 2051357). An algorithm developed to predict the effect of missense changes on protein structure and function (PolyPhen-2) suggests that this variant is likely to be disruptive. In summary, the available evidence is currently insufficient to determine the role of this variant in disease. Therefore, it has been classified as a Variant of Uncertain Significance.